The following is an entry in ClinVar:

ClinVar aggregate classification (germline): Pathogenic (1 of 4 stars; one submission).

Conditions:
Alport syndrome. Also called: Hemorrhagic familial nephritis; Hemorrhagic hereditary nephritis; Congenital hereditary hematuria. Identifiers: Orphanet 63, MedGen C1567741, MONDO:0018965.

Submission:

Myriad Genetics, Inc.
Classification: Pathogenic for Alport syndrome. Last evaluated: 2025-03-22. Review status: criteria provided, single submitter. Criteria: Myriad Autosomal Dominant, Autosomal Recessive and X-Linked Classification Criteria (2023). Collection method: clinical testing. Allele origin: unknown.
Comment: NM_000091.4(COL4A3):c.4320_4321delCT(W1441Dfs*68) is expected to be pathogenic in the context of Alport syndrome, COL4A3-related. This variant is predicted to lead to an abnormal or absent protein product due to the creation of a premature termination codon in COL4A3, a gene where loss-of-function variants are known to be pathogenic. Please note: this variant was assessed in the context of healthy population screening.

NM_000091.5(COL4A3):c.4320_4321del (p.Trp1441fs)

Genes: MFF-DT (MFF divergent transcript; minus strand), COL4A3 (collagen type IV alpha 3 chain; plus strand). Cytogenetic location: 2q36.3.
Variant type: Deletion.
Coding change: c.4320_4321del on transcript NM_000091.5 (MANE Select); coding-DNA positions 4320 to 4321, 2 bases deleted (CT; older notation c.4320_4321delCT).
Protein change: p.Trp1441fs; shifts the reading frame from tryptophan 1441.
Molecular consequence: frameshift variant.
Genome position (GRCh38, 1-based): chr2:227,307,777-227,307,778, CT deleted. VCF-style (leftmost placement, unchanged base first): chr2-227307776-CCT-C. GRCh37 (hg19) VCF-style: chr2-228172492-CCT-C.
Other names: short protein forms W1441fs.
Identifiers: ClinVar variation 5014249 (VCV005014249.1).